The following is an entry in ClinVar:

ClinVar aggregate classification (germline): Uncertain significance (1 of 4 stars; one submission).

Submission:

GeneDx
Classification: Uncertain significance. Last evaluated: 2024-02-05. Review status: criteria provided, single submitter. Criteria: GeneDx Variant Classification Process June 2021. Collection method: clinical testing. Allele origin: germline. Affected: yes.
Comment: Nonsense variant predicted to result in protein truncation as the last 988 amino acids are lost, in a gene for which loss of function is not an established mechanism of disease; Not observed at significant frequency in large population cohorts (gnomAD); Has not been previously published as pathogenic or benign to our knowledge; This variant is associated with the following publications: (PMID: 28545555)

NM_017654.4(SAMD9):c.1805C>A (p.Ser602Ter)

Gene: SAMD9 (sterile alpha motif domain containing 9; minus strand). Cytogenetic location: 7q21.2.
Variant type: single nucleotide variant.
Coding change: c.1805C>A on transcript NM_017654.4 (MANE Select); coding-DNA position 1805, C replaced by A.
Protein change: p.Ser602Ter; replaces serine 602 with a stop codon.
Molecular consequence: nonsense.
Genome position (GRCh38, 1-based): chr7:93,104,293, G>T on the plus strand (C>A on the coding strand, the complement: SAMD9 is on the minus strand). VCF-style: chr7-93104293-G-T. GRCh37 (hg19) VCF-style: chr7-92733606-G-T.
Other names: c.1805C>A, p.Ser602Ter (NM_001193307.2); short protein forms S602*.
Identifiers: ClinVar variation 3368856 (VCV003368856.1).
Genomic context (GRCh38, chr7:93,104,293, plus strand): 5'-TTTAGTTTAAGAATAGTGCCATTGATCTCTTCAAGGCTTAAAGCAGAAATACATTGGCTT[G>T]AAATTTCATCTTGGTGTTTTATTAATCTTGCTTCAAGTAGATCTTTCCATCCCTGAAATA-3'